The following is an entry in ClinVar:

ClinVar aggregate classification (germline): Uncertain significance (1 of 4 stars; one submission).

Submission:

Ambry Genetics
Classification: Uncertain significance. Last evaluated: 2022-02-28. Review status: criteria provided, single submitter. Criteria: Ambry Variant Classification Scheme 2023. Collection method: clinical testing. Allele origin: germline.
Comment: The p.P2231A variant (also known as c.6691C>G), located in coding exon 22 of the POLQ gene, results from a C to G substitution at nucleotide position 6691. The proline at codon 2231 is replaced by alanine, an amino acid with highly similar properties. This amino acid position is conserved. In addition, this alteration is predicted to be tolerated by in silico analysis. Since supporting evidence is limited at this time, the clinical significance of this alteration remains unclear.

NM_199420.4(POLQ):c.6691C>G (p.Pro2231Ala)

Gene: POLQ (DNA polymerase theta; minus strand). Cytogenetic location: 3q13.33.
Variant type: single nucleotide variant.
Coding change: c.6691C>G on transcript NM_199420.4 (MANE Select); coding-DNA position 6691, C replaced by G.
Protein change: p.Pro2231Ala; replaces proline 2231 with alanine.
Molecular consequence: missense variant.
Genome position (GRCh38, 1-based): chr3:121,472,017, G>C on the plus strand (C>G on the coding strand, the complement: POLQ is on the minus strand). VCF-style: chr3-121472017-G-C. GRCh37 (hg19) VCF-style: chr3-121190864-G-C.
Other names: short protein forms P2231A.
Identifiers: ClinVar variation 1754914 (VCV001754914.2), dbSNP rs2108789965, ClinGen allele CA354085175.